The following is an entry in ClinVar:

NM_000135.4(FANCA):c.317G>C (p.Gly106Ala)

Gene: FANCA (FA complementation group A; minus strand). Cytogenetic location: 16q24.3.
Variant type: single nucleotide variant.
Coding change: c.317G>C on transcript NM_000135.4 (MANE Select); coding-DNA position 317, G replaced by C.
Protein change: p.Gly106Ala; replaces glycine 106 with alanine.
Molecular consequence: missense variant.
Genome position (GRCh38, 1-based): chr16:89,811,038, C>G on the plus strand (G>C on the coding strand, the complement: FANCA is on the minus strand). VCF-style: chr16-89811038-C-G. GRCh37 (hg19) VCF-style: chr16-89877446-C-G.
Other names: c.317G>C, p.Gly106Ala (NM_001018112.3, NM_001286167.3, NM_001351830.2); c.317G>C (NM_000135.3, LRG_495t1); short protein forms G106A.
Identifiers: ClinVar variation 456110 (VCV000456110.15), dbSNP rs764893807, ClinGen allele CA8253067.

ClinVar aggregate classification (germline): Uncertain significance. Review status: criteria provided, multiple submitters, no conflicts (2 of 4 stars). 7 submissions from 7 submitters: Uncertain significance (6). 1 of the submissions does not count toward it. Last evaluated 2025-07-16.

Conditions:
Inborn genetic diseases. Identifiers: MedGen C0950123, MeSH D030342.
Fanconi anemia (FA). Also called: Fanconi's anemia. Identifiers: Orphanet 84, MedGen C0015625, MeSH D005199, MONDO:0019391.
Fanconi anemia complementation group A (FANCA). Also called: Fanconi anemia, group A; FANCA-Related Fanconi Anemia. Identifiers: Orphanet 84, MedGen C3469521, MONDO:0009215, OMIM 227650.

Allele frequency attached by ClinVar (database versions not stated): gnomAD 0.00001 and 0.00002; TOPMed 0.00003; gnomAD exomes 0.00007; ExAC 0.00008.
gnomAD v4.1: 59 of 1,613,944 alleles (0.0037%); highest among the groups gnomAD compares: South Asian, 0.044%; no homozygotes.

Submissions (7):

Labcorp Genetics (formerly Invitae), Labcorp
Classification: Uncertain significance for Fanconi anemia. Last evaluated: 2025-07-16. Review status: criteria provided, single submitter. Criteria: Invitae Variant Classification Sherloc (09022015). Collection method: clinical testing. Allele origin: germline.
Comment: This sequence change replaces glycine, which is neutral and non-polar, with alanine, which is neutral and non-polar, at codon 106 of the FANCA protein (p.Gly106Ala). This variant is present in population databases (rs764893807, gnomAD 0.03%). This variant has not been reported in the literature in individuals affected with FANCA-related conditions. ClinVar contains an entry for this variant (Variation ID: 456110). Invitae Evidence Modeling of protein sequence and biophysical properties (such as structural, functional, and spatial information, amino acid conservation, physicochemical variation, residue mobility, and thermodynamic stability) has been performed for this missense variant. However, the output from this modeling did not meet the statistical confidence thresholds required to predict the impact of this variant on FANCA protein function. In summary, the available evidence is currently insufficient to determine the role of this variant in disease. Therefore, it has been classified as a Variant of Uncertain Significance.

Quest Diagnostics Nichols Institute San Juan Capistrano
Classification: Uncertain significance. Last evaluated: 2025-06-17. Review status: criteria provided, single submitter. Criteria: Quest Diagnostics criteria. Collection method: clinical testing. Allele origin: unknown.
Comment: The FANCA c.317G>C (p.Gly106Ala) variant has not been reported in individuals with FANCA-related conditions in the published literature. The frequency of this variant in the general population (Genome Aggregation Database) is uninformative in the assessment of its pathogenicity. Analysis of this variant using bioinformatics tools for the prediction of the effect of amino acid changes on protein structure and function yielded predictions that this variant is benign. Based on the available information, we are unable to determine the clinical significance of this variant.

Ambry Genetics
Classification: Uncertain significance for Inborn genetic diseases. Last evaluated: 2025-01-13. Review status: criteria provided, single submitter. Criteria: Ambry Variant Classification Scheme 2023. Collection method: clinical testing. Allele origin: germline.
Comment: The p.G106A variant (also known as c.317G>C), located in coding exon 4 of the FANCA gene, results from a G to C substitution at nucleotide position 317. The glycine at codon 106 is replaced by alanine, an amino acid with similar properties. This amino acid position is conserved. In addition, this alteration is predicted to be tolerated by in silico analysis. Based on the available evidence, the clinical significance of this variant remains unclear.

Blueprint Genetics
Classification: Uncertain significance. Last evaluated: 2024-10-02. Review status: criteria provided, single submitter. Criteria: ACMG Guidelines, 2015. Collection method: clinical testing. Allele origin: germline.

Baylor Genetics
Classification: Uncertain significance for Fanconi anemia complementation group A. Last evaluated: 2019-11-05. Review status: criteria provided, single submitter. Criteria: ACMG Guidelines, 2015. Collection method: clinical testing. Allele origin: unknown. Affected: yes.
Comment: This variant was determined to be of uncertain significance according to ACMG Guidelines, 2015 [PMID:25741868].

Fulgent Genetics
Classification: Uncertain significance for Fanconi anemia complementation group A. Last evaluated: 2018-10-31. Review status: criteria provided, single submitter. Criteria: ACMG Guidelines, 2015. Collection method: clinical testing. Allele origin: unknown.

Natera, Inc.
Classification: Uncertain significance for Fanconi anemia. Last evaluated: 2020-02-14. Review status: no assertion criteria provided. Collection method: clinical testing. Allele origin: germline. Not counted in ClinVar's aggregate classification.